The following is an entry in ClinVar:

NM_001625.4(AK2):c.219G>C (p.Leu73=)

Gene: AK2 (adenylate kinase 2; minus strand). Cytogenetic location: 1p35.1.
Variant type: single nucleotide variant.
Coding change: c.219G>C on transcript NM_001625.4 (MANE Select); coding-DNA position 219, G replaced by C.
Protein change: p.Leu73=; no amino-acid change (leucine 73 retained).
Molecular consequence: synonymous variant. On other transcripts: non-coding transcript variant (1), intron variant (1).
Genome position (GRCh38, 1-based): chr1:33,024,442, C>G on the plus strand (G>C on the coding strand, the complement: AK2 is on the minus strand). VCF-style: chr1-33024442-C-G. GRCh37 (hg19) VCF-style: chr1-33490043-C-G.
Other names: c.219G>C, p.Leu73= (NM_001199199.3, NM_001319141.3, NM_001319143.2 and 1 more transcripts); c.75G>C, p.Leu25= (NM_001319139.3, NM_001319140.2); c.94-2739G>C (NM_001319142.3).
Identifiers: ClinVar variation 136329 (VCV000136329.1), dbSNP rs587780848, ClinGen allele CA289345.

ClinVar aggregate classification (germline): Benign (1 of 4 stars; one submission).

Submission:

GeneDx
Classification: Benign. Last evaluated: 2013-10-17. Review status: criteria provided, single submitter. Criteria: GeneDx Variant Classification (06012015). Collection method: clinical testing. Allele origin: germline.
Comment: The variant is found in SCID panel(s).